The following is an entry in ClinVar:

ClinVar aggregate classification (germline): Uncertain significance (1 of 4 stars; one submission).

Submission:

GeneDx
Classification: Uncertain significance. Last evaluated: 2022-06-13. Review status: criteria provided, single submitter. Criteria: GeneDx Variant Classification Process June 2021. Collection method: clinical testing. Allele origin: germline. Affected: yes.
Comment: Not observed at significant frequency in large population cohorts (gnomAD); In silico analysis supports that this missense variant does not alter protein structure/function; Has not been previously published as pathogenic or benign to our knowledge

NM_012330.4(KAT6B):c.1855C>T (p.His619Tyr)

Gene: KAT6B (lysine acetyltransferase 6B; plus strand). Cytogenetic location: 10q22.2.
Variant type: single nucleotide variant.
Coding change: c.1855C>T on transcript NM_012330.4 (MANE Select); coding-DNA position 1855, C replaced by T.
Protein change: p.His619Tyr; replaces histidine 619 with tyrosine.
Molecular consequence: missense variant. On other transcripts: intron variant (13).
Genome position (GRCh38, 1-based): chr10:74,976,192, C>T. VCF-style: chr10-74976192-C-T. GRCh37 (hg19) VCF-style: chr10-76735950-C-T.
Other names: c.1855C>T, p.His619Tyr (NM_001370136.1, NM_001370137.1); c.1117+738C>T (NM_001370139.1, NM_001370140.1, NM_001370141.1 and 3 more transcripts); c.1444+411C>T (NM_001370138.1, NM_001256468.2); c.846+6417C>T (NM_001370133.1); c.193-3032C>T (NM_001370134.1); c.929-1124C>T (NM_001370143.1, NM_001370144.1); c.193-12827C>T (NM_001370135.1); short protein forms H619Y.
Identifiers: ClinVar variation 1804339 (VCV001804339.1), dbSNP rs2548956866, ClinGen allele CA377288807.
Genomic context (GRCh38, chr10:74,976,192, plus strand): 5'-TCTCACTCCTCCTCCTCTAGCTGGGGGATGGCTAGAGGAAGTATTTTTAAAGCAATTGCT[C>T]ACTTCAAGCGAACAACTTTCCTTAAAAAGCACAGGATGCTAGGCAGATTAAAATATAAAG-3'
Protein context (NP_036462.2, residues 609-629): ARGSIFKAIA[His619Tyr]FKRTTFLKKH